The following is an entry in ClinVar:

ClinVar aggregate classification (germline): Uncertain significance. Review status: criteria provided, multiple submitters, no conflicts (2 of 4 stars). 2 submissions from 2 submitters: Uncertain significance (2). Last evaluated 2025-11-13.

Conditions:
Hypertrophic cardiomyopathy. Also called: HYPERTROPHIC MYOCARDIOPATHY. Identifiers: Orphanet 217569, MedGen C0007194, MeSH D002312, MONDO:0005045, HP:0001639.

Allele frequency attached by ClinVar (database versions not stated): ExAC 0.00001; gnomAD 0.00001; gnomAD exomes 0.00001; TOPMed 0.00001.
gnomAD v4.1: 15 of 1,613,784 alleles (0.00093%); highest among the groups gnomAD compares: Admixed American, 0.0033%; no homozygotes.

Submissions (2):

Ambry Genetics
Classification: Uncertain significance. Last evaluated: 2025-11-13. Review status: criteria provided, single submitter. Criteria: Ambry Variant Classification Scheme 2023. Collection method: clinical testing. Allele origin: germline.

Labcorp Genetics (formerly Invitae), Labcorp
Classification: Uncertain significance for Hypertrophic cardiomyopathy. Last evaluated: 2024-06-04. Review status: criteria provided, single submitter. Criteria: Invitae Variant Classification Sherloc (09022015). Collection method: clinical testing. Allele origin: germline.
Comment: This sequence change replaces threonine, which is neutral and polar, with methionine, which is neutral and non-polar, at codon 688 of the MYOM1 protein (p.Thr688Met). This variant is present in population databases (rs772170052, gnomAD 0.006%). This variant has not been reported in the literature in individuals affected with MYOM1-related conditions. ClinVar contains an entry for this variant (Variation ID: 1373703). Algorithms developed to predict the effect of missense changes on protein structure and function output the following: SIFT: "Not Available"; PolyPhen-2: "Probably Damaging"; Align-GVGD: "Not Available". The methionine amino acid residue is found in multiple mammalian species, which suggests that this missense change does not adversely affect protein function. In summary, the available evidence is currently insufficient to determine the role of this variant in disease. Therefore, it has been classified as a Variant of Uncertain Significance.

NM_003803.4(MYOM1):c.2063C>T (p.Thr688Met)

Gene: MYOM1 (myomesin 1; minus strand). Cytogenetic location: 18p11.31.
Variant type: single nucleotide variant.
Coding change: c.2063C>T on transcript NM_003803.4 (MANE Select); coding-DNA position 2063, C replaced by T.
Protein change: p.Thr688Met; replaces threonine 688 with methionine.
Molecular consequence: missense variant.
Genome position (GRCh38, 1-based): chr18:3,135,693, G>A on the plus strand (C>T on the coding strand, the complement: MYOM1 is on the minus strand). VCF-style: chr18-3135693-G-A. GRCh37 (hg19) VCF-style: chr18-3135691-G-A.
Other names: c.2063C>T, p.Thr688Met (NM_019856.2); c.2063C>T (NM_003803.3); short protein forms T688M.
Identifiers: ClinVar variation 1373703 (VCV001373703.9), dbSNP rs772170052, ClinGen allele CA8874754.
Genomic context (GRCh38, chr18:3,135,693, plus strand): 5'-TAGGATTTCCCCTCGGCCAAGTCAAACAGAGCAAAGCGGGGAGACTTCACAGGGAGCTCC[G>A]TGTTCACTCGCTGCCAGTTTTCTGTTCCTGCCTCACACTGCAGCAAGAACAGGGAAACCC-3'
Protein context (NP_003794.3, residues 678-698): AGTENWQRVN[Thr688Met]ELPVKSPRFA